The following is an entry in ClinVar:

ClinVar aggregate classification (germline): Uncertain significance (1 of 4 stars; one submission).

Conditions:
Cardiovascular phenotype. Identifiers: MedGen CN230736.

gnomAD v4.1: 1 of 1,495,862 alleles (0.000067%); highest among the groups gnomAD compares: South Asian, 0.0013%; no homozygotes.

Submission:

Ambry Genetics
Classification: Uncertain significance for Cardiovascular phenotype. Last evaluated: 2024-11-15. Review status: criteria provided, single submitter. Criteria: Ambry Variant Classification Scheme 2023. Collection method: clinical testing. Allele origin: germline.
Comment: The p.P146L variant (also known as c.437C>T), located in coding exon 5 of the COL1A1 gene, results from a C to T substitution at nucleotide position 437. The proline at codon 146 is replaced by leucine, an amino acid with similar properties. This amino acid position is highly conserved in available vertebrate species. In addition, the in silico prediction for this alteration is inconclusive. Based on the available evidence, the clinical significance of this variant remains unclear.

NM_000088.4(COL1A1):c.437C>T (p.Pro146Leu)

Gene: COL1A1 (collagen type I alpha 1 chain; minus strand). Cytogenetic location: 17q21.33.
Variant type: single nucleotide variant.
Coding change: c.437C>T on transcript NM_000088.4 (MANE Select); coding-DNA position 437, C replaced by T.
Protein change: p.Pro146Leu; replaces proline 146 with leucine.
Molecular consequence: missense variant.
Genome position (GRCh38, 1-based): chr17:50,199,260, G>A on the plus strand (C>T on the coding strand, the complement: COL1A1 is on the minus strand). VCF-style: chr17-50199260-G-A. GRCh37 (hg19) VCF-style: chr17-48276621-G-A.
Other names: short protein forms P146L.
Identifiers: ClinVar variation 3495230 (VCV003495230.1).